The following is an entry in ClinVar:

NM_001267550.2(TTN):c.56200_56215dup (p.Asn18739delinsIleTer)

Genes: TTN (titin; minus strand), TTN-AS1 (TTN antisense RNA 1; plus strand). Cytogenetic location: 2q31.2.
Variant type: Duplication.
Coding change: c.56200_56215dup on transcript NM_001267550.2 (MANE Select); coding-DNA positions 56200 to 56215, 16 bases duplicated (TATGACACCCATGTCA).
Protein change: p.Asn18739delinsIleTer.
Molecular consequence: nonsense. On other transcripts: non-coding transcript variant (1).
Genome position (GRCh38, 1-based): chr2:178,599,686-178,599,701, TGACATGGGTGTCATA duplicated on the plus strand (TATGACACCCATGTCA on the coding strand, the reverse complement: TTN is on the minus strand). VCF-style (leftmost placement, unchanged base first): chr2-178599685-T-TTGACATGGGTGTCATA. GRCh37 (hg19) VCF-style: chr2-179464412-T-TTGACATGGGTGTCATA.
Other names: c.29005_29020dup, p.Asn9674delinsIleTer (NM_003319.4); c.48496_48511dup, p.Asn16171delinsIleTer (NM_133378.4); c.29380_29395dup, p.Asn9799delinsIleTer (NM_133432.3); c.29581_29596dup, p.Asn9866delinsIleTer (NM_133437.4); c.51277_51292dup, p.Asn17098delinsIleTer (NM_001256850.1).
Identifiers: ClinVar variation 2050348 (VCV002050348.6), dbSNP rs2469904584, ClinGen allele CA2580064870.

ClinVar aggregate classification (germline): Likely pathogenic. Review status: criteria provided, multiple submitters, no conflicts (2 of 4 stars). 2 submissions from 2 submitters: Likely pathogenic (2). Last evaluated 2026-03-12.

Conditions:
Autosomal recessive limb-girdle muscular dystrophy type 2J (LGMDR10). Also called: Limb-girdle muscular dystrophy, type 2J; MUSCULAR DYSTROPHY, LIMB-GIRDLE, AUTOSOMAL RECESSIVE 10. Identifiers: Orphanet 140922, MedGen C1837342, MONDO:0012127, OMIM 608807.
Dilated cardiomyopathy 1G (CMD1G). Identifiers: Orphanet 154, MedGen C1858763, MONDO:0011400, OMIM 604145.

Submissions (2):

GeneDx
Classification: Likely pathogenic. Last evaluated: 2026-03-12. Review status: criteria provided, single submitter. Criteria: GeneDx Variant Classification Process June 2021. Collection method: clinical testing. Allele origin: germline.
Comment: Frameshift variant predicted to result in protein truncation or nonsense mediated decay in a gene for which loss of function is a known mechanism of disease; Located in the A-band, a region of TTN for which truncating variants are significantly associated with autosomal dominant cardiomyopathy and also with autosomal recessive skeletal myopathies (PMID: 22335739, 32778822); Identified in a patient with congenital myopathy, however a second disease causing variant was not identified (PMID: 30365001); Not observed at significant frequency in large population cohorts (gnomAD); This variant is associated with the following publications: (PMID: 22335739, 32778822, 30365001)

Labcorp Genetics (formerly Invitae), Labcorp
Classification: Likely pathogenic for Dilated cardiomyopathy 1G; Autosomal recessive limb-girdle muscular dystrophy type 2J. Last evaluated: 2024-11-04. Review status: criteria provided, single submitter. Criteria: Invitae Variant Classification Sherloc (09022015). Collection method: clinical testing. Allele origin: germline.
Comment: This sequence change creates a premature translational stop signal (p.Asn18739Ilefs*2) in the TTN gene. While this is not anticipated to result in nonsense mediated decay, it is expected to create a truncated TTN protein. This variant is not present in population databases (gnomAD no frequency). This premature translational stop signal has been observed in individual(s) with congenital myopathy (PMID: 30365001). ClinVar contains an entry for this variant (Variation ID: 2050348). This variant is located in the A band of TTN (PMID: 25589632). Truncating variants in this region are significantly overrepresented in patients affected with dilated cardiomyopathy (PMID: 25589632). Truncating variants in this region have also been reported in individuals affected with autosomal recessive centronuclear myopathy (PMID: 23975875). In summary, the currently available evidence indicates that the variant is pathogenic, but additional data are needed to prove that conclusively. Therefore, this variant has been classified as Likely Pathogenic.

Literature cited by the submitters: PubMed 30365001 (cited by Labcorp Genetics (formerly Invitae), Labcorp); PubMed 25589632 (cited by Labcorp Genetics (formerly Invitae), Labcorp); PubMed 23975875 (cited by Labcorp Genetics (formerly Invitae), Labcorp).